The following is an entry in ClinVar:

NM_001005337.3(PKP1):c.-116C>G

Gene: PKP1 (plakophilin 1; plus strand). Cytogenetic location: 1q32.1.
Variant type: single nucleotide variant.
Coding change: c.-116C>G on transcript NM_001005337.3 (MANE Select); 116 bases upstream of the start codon, C replaced by G.
Molecular consequence: 5 prime UTR variant.
Genome position (GRCh38, 1-based): chr1:201,283,587, C>G. VCF-style: chr1-201283587-C-G. GRCh37 (hg19) VCF-style: chr1-201252715-C-G.
Other names: c.-116C>G (NM_000299.4).
Identifiers: ClinVar variation 294796 (VCV000294796.5), dbSNP rs149821471, ClinGen allele CA10608777.

ClinVar aggregate classification (germline): Likely benign (1 of 4 stars; one submission).

Conditions:
Epidermolysis bullosa simplex due to plakophilin deficiency. Also called: MCGRATH SYNDROME. Identifiers: Orphanet 158668, MedGen C1858302, MONDO:0011472, OMIM 604536.

Allele frequency attached by ClinVar (database versions not stated): gnomAD 0.00004 and 0.00011; TOPMed 0.00005; 1000 Genomes Project 30x 0.00047; 1000 Genomes Project 0.00060.

Submission:

Illumina Laboratory Services, Illumina
Classification: Likely benign for Epidermolysis bullosa simplex due to plakophilin deficiency. Last evaluated: 2018-01-13. Review status: criteria provided, single submitter. Criteria: ICSL Variant Classification Criteria 13 December 2019. Collection method: clinical testing. Allele origin: germline.
Comment: This variant was observed in the ICSL laboratory as part of a predisposition screen in an ostensibly healthy population. It had not been previously curated by ICSL or reported in the Human Gene Mutation Database (HGMD: prior to June 1st, 2018), and was therefore a candidate for classification through an automated scoring system. Utilizing variant allele frequency, disease prevalence and penetrance estimates, and inheritance mode, an automated score was calculated to assess if this variant is too frequent to cause the disease. Based on the score and internal cut-off values, a variant classified as likely benign is not then subjected to further curation. The score for this variant resulted in a classification of likely benign for this disease.